The following is an entry in ClinVar:

ClinVar aggregate classification (germline): Uncertain significance (1 of 4 stars; one submission).

Conditions:
Hereditary cancer-predisposing syndrome. Also called: Neoplastic Syndromes, Hereditary; Tumor predisposition; Hereditary Cancer Syndrome; Hereditary neoplastic syndrome. Identifiers: Orphanet 140162, MedGen C0027672, MeSH D009386, MONDO:0015356.

Allele frequency attached by ClinVar (database versions not stated): gnomAD exomes below 0.00001.
gnomAD v4.1: 1 of 1,614,214 alleles (0.000062%); highest among the groups gnomAD compares: Non-Finnish European, 0.000085%; no homozygotes.

Submission:

Ambry Genetics
Classification: Uncertain significance for Hereditary cancer-predisposing syndrome. Last evaluated: 2019-08-14. Review status: criteria provided, single submitter. Criteria: Ambry Variant Classification Scheme 2023. Collection method: clinical testing. Allele origin: germline.
Comment: The p.S564P variant (also known as c.1690T>C), located in coding exon 4 of the MSH6 gene, results from a T to C substitution at nucleotide position 1690. The serine at codon 564 is replaced by proline, an amino acid with similar properties. This amino acid position is highly conserved in available vertebrate species. In addition, this alteration is predicted to be deleterious by in silico analysis. Since supporting evidence is limited at this time, the clinical significance of this alteration remains unclear.

NM_000179.3(MSH6):c.1690T>C (p.Ser564Pro)

Gene: MSH6 (mutS homolog 6; plus strand). Cytogenetic location: 2p16.3.
Variant type: single nucleotide variant.
Coding change: c.1690T>C on transcript NM_000179.3 (MANE Select); coding-DNA position 1690, T replaced by C.
Protein change: p.Ser564Pro; replaces serine 564 with proline.
Molecular consequence: missense variant.
Genome position (GRCh38, 1-based): chr2:47,799,673, T>C. VCF-style: chr2-47799673-T-C. GRCh37 (hg19) VCF-style: chr2-48026812-T-C.
Other names: c.1300T>C, p.Ser434Pro (NM_001281492.2); c.784T>C, p.Ser262Pro (NM_001281493.2, NM_001281494.2); short protein forms S564P, S262P, S434P.
Identifiers: ClinVar variation 819857 (VCV000819857.4), dbSNP rs876661163, ClinGen allele CA346747519.